The following is an entry in ClinVar:

ClinVar aggregate classification (germline): Pathogenic (1 of 4 stars; one submission).

Conditions:
Bloom syndrome (BLM). Also called: Bloom-Torre-Machacek syndrome. Identifiers: Orphanet 125, MedGen C0005859, MONDO:0008876, OMIM 210900.

Submission:

Myriad Genetics, Inc.
Classification: Pathogenic for Bloom syndrome. Last evaluated: 2026-04-23. Review status: criteria provided, single submitter. Criteria: Myriad Autosomal Dominant, Autosomal Recessive and X-Linked Classification Criteria (2023). Collection method: clinical testing. Allele origin: unknown.
Comment: This variant is considered pathogenic. This variant creates a termination codon and is predicted to result in premature protein truncation.

NM_000057.4(BLM):c.3577G>T (p.Glu1193Ter)

Gene: BLM (BLM RecQ like helicase; plus strand). Cytogenetic location: 15q26.1.
Variant type: single nucleotide variant.
Coding change: c.3577G>T on transcript NM_000057.4 (MANE Select); coding-DNA position 3577, G replaced by T.
Protein change: p.Glu1193Ter; replaces glutamic acid 1193 with a stop codon.
Molecular consequence: nonsense. On other transcripts: intron variant (1).
Genome position (GRCh38, 1-based): chr15:90,804,185, G>T. VCF-style: chr15-90804185-G-T. GRCh37 (hg19) VCF-style: chr15-91347415-G-T.
Other names: c.3577G>T, p.Glu1193Ter (NM_001287246.2); c.2452G>T, p.Glu818Ter (NM_001287248.2); c.3359-4952G>T (NM_001287247.2); short protein forms E1193*, E818*.
Identifiers: ClinVar variation 4876108 (VCV004876108.1).